The following is an entry in ClinVar:

NM_178857.6(RP1L1):c.32C>T (p.Pro11Leu)

Gene: RP1L1 (RP1 like 1). Cytogenetic location: 8p23.1.
Variant type: single nucleotide variant.
Coding change: c.32C>T on transcript NM_178857.6 (MANE Select); coding-DNA position 32, C replaced by T.
Protein change: p.Pro11Leu; replaces proline 11 with leucine.
Molecular consequence: missense variant.
Genome position (GRCh38, 1-based): chr8:10,623,170, G>A on the plus strand (C>T on the coding strand, the complement: RP1L1 is on the minus strand). VCF-style: chr8-10623170-G-A. GRCh37 (hg19) VCF-style: chr8-10480680-G-A.
Other names: short protein forms P11L.
Identifiers: ClinVar variation 733953 (VCV000733953.18), dbSNP rs199642627, ClinGen allele CA4625913.

ClinVar aggregate classification (germline): Conflicting classifications of pathogenicity. Review status: criteria provided, conflicting classifications (1 of 4 stars). 7 submissions from 7 submitters: Uncertain significance (1); Benign (1); Likely benign (5). Last evaluated 2026-04-01.

Conditions:
Retinal dystrophy. Also called: Inherited retinal dystrophy. Identifiers: Orphanet 71862, MedGen C0854723, MeSH D058499, MONDO:0019118, HP:0000556.
Occult macular dystrophy (OCMD). Also called: OCCULT MACULAR DYSTROPHY, SUSCEPTIBILITY TO; OMD. Identifiers: Orphanet 247834, MedGen C3150833, MONDO:0013316, OMIM 613587, HP:0030636.

Allele frequency attached by ClinVar (database versions not stated): 1000 Genomes Project 30x 0.00062; ExAC 0.00078; gnomAD exomes 0.00079; 1000 Genomes Project 0.00080; ESP Exome Variant Server 0.00131; gnomAD 0.00196 and 0.00215; TOPMed 0.00231.
gnomAD v4.1: 906 of 1,581,532 alleles (0.057%); highest among the groups gnomAD compares: African/African-American, 0.65%; 2 homozygotes.

Submissions (7):

CeGaT Center for Human Genetics Tuebingen
Classification: Likely benign. Last evaluated: 2026-04-01. Review status: criteria provided, single submitter. Criteria: CeGaT Center For Human Genetics Tuebingen Variant Classification Criteria Version 2. Collection method: clinical testing. Allele origin: germline. Affected: yes. Observed: 1 variant allele.
Comment: RP1L1: BP4, BS2

Labcorp Genetics (formerly Invitae), Labcorp
Classification: Likely benign. Last evaluated: 2026-01-04. Review status: criteria provided, single submitter. Criteria: Invitae Variant Classification Sherloc (09022015). Collection method: clinical testing. Allele origin: germline.

Blueprint Genetics
Classification: Likely benign. Last evaluated: 2024-11-27. Review status: criteria provided, single submitter. Criteria: ACMG Guidelines, 2015. Collection method: clinical testing. Allele origin: germline.

Dept Of Ophthalmology, Nagoya University
Classification: Likely benign for Retinal dystrophy. Last evaluated: 2023-10-01. Review status: criteria provided, single submitter. Criteria: Submitter's publication. Collection method: research. Allele origin: germline. Affected: yes.

GeneDx
Classification: Uncertain significance. Last evaluated: 2022-11-23. Review status: criteria provided, single submitter. Criteria: GeneDx Variant Classification Process June 2021. Collection method: clinical testing. Allele origin: germline. Affected: yes.
Comment: In silico analysis supports that this missense variant has a deleterious effect on protein structure/function; Observed in the heterozygous state in a patient diagnosed with occult macular dystrophy, although clinical information and familial segregation data was not provided (Sun et al., 2018); This variant is associated with the following publications: (PMID: 27460824, 30076350, 25668207, 27093186)

Illumina Laboratory Services, Illumina
Classification: Benign for Occult macular dystrophy. Last evaluated: 2018-01-12. Review status: criteria provided, single submitter. Criteria: ICSL Variant Classification Criteria 13 December 2019. Collection method: clinical testing. Allele origin: germline.
Comment: This variant was observed in the ICSL laboratory as part of a predisposition screen in an ostensibly healthy population. It had not been previously curated by ICSL or reported in the Human Gene Mutation Database (HGMD: prior to June 1st, 2018), and was therefore a candidate for classification through an automated scoring system. Utilizing variant allele frequency, disease prevalence and penetrance estimates, and inheritance mode, an automated score was calculated to assess if this variant is too frequent to cause the disease. Based on the score and internal cut-off values, a variant classified as benign is not then subjected to further curation. The score for this variant resulted in a classification of benign for this disease.

Breakthrough Genomics
Classification: Likely benign. Review status: criteria provided, single submitter. Criteria: ACMG Guidelines, 2015. Collection method: not provided. Allele origin: germline. Inheritance: Autosomal recessive inheritance. Affected: yes.